The following is an entry in ClinVar:

ClinVar aggregate classification (germline): Uncertain significance (1 of 4 stars; one submission).

Conditions:
Dilated cardiomyopathy 1O (CMD1O). Also called: CARDIOMYOPATHY, DILATED, WITH VENTRICULAR TACHYCARDIA. Identifiers: Orphanet 154, MedGen C1837839, MONDO:0012062, OMIM 608569.

Allele frequency attached by ClinVar (database versions not stated): TOPMed 0.00002.

Submission:

Labcorp Genetics (formerly Invitae), Labcorp
Classification: Uncertain significance for Dilated cardiomyopathy 1O. Last evaluated: 2025-12-01. Review status: criteria provided, single submitter. Criteria: Invitae Variant Classification Sherloc (09022015). Collection method: clinical testing. Allele origin: germline.
Comment: This sequence change falls in intron 12 of the ABCC9 gene. It does not directly change the encoded amino acid sequence of the ABCC9 protein. It affects a nucleotide within the consensus splice site. This variant is not present in population databases (gnomAD no frequency). This variant has not been reported in the literature in individuals affected with ABCC9-related conditions. ClinVar contains an entry for this variant (Variation ID: 852161). Variants that disrupt the consensus splice site are a relatively common cause of aberrant splicing (PMID: 17576681, 9536098). Algorithms developed to predict the effect of sequence changes on RNA splicing suggest that this variant is not likely to affect RNA splicing. In summary, the available evidence is currently insufficient to determine the role of this variant in disease. Therefore, it has been classified as a Variant of Uncertain Significance.

Literature cited by the submitters: PubMed 17576681; PubMed 9536098.

NM_020297.4(ABCC9):c.1802+6C>T

Gene: ABCC9 (ATP binding cassette subfamily C member 9; minus strand). Cytogenetic location: 12p12.1.
Variant type: single nucleotide variant.
Coding change: c.1802+6C>T on transcript NM_020297.4 (MANE Select); 6 bases into the intron after coding-DNA position 1802, C replaced by T.
Molecular consequence: intron variant.
Genome position (GRCh38, 1-based): chr12:21,894,026, G>A on the plus strand (C>T on the coding strand, the complement: ABCC9 is on the minus strand). VCF-style: chr12-21894026-G-A. GRCh37 (hg19) VCF-style: chr12-22046960-G-A.
Other names: c.938+6C>T (NM_001377274.1); c.1802+6C>T (NM_005691.4, NM_001377273.1).
Identifiers: ClinVar variation 852161 (VCV000852161.7), dbSNP rs1947291079, ClinGen allele CA916081663.
Genomic context (GRCh38, chr12:21,894,026, plus strand): 5'-ACTCCTATTAGCACACGTCATTTCTATTATCAATAAGCAAAAAATGCCAGACACTTCAGT[G>A]CATACCTTATGATGGCTTTGACTGCAAATCTGACCACCGTGGAGAGCAGGAACAGTGGTG-3'